The following is an entry in ClinVar:

NM_006231.4(POLE):c.1473+7A>G

Gene: POLE (DNA polymerase epsilon, catalytic subunit; minus strand). Cytogenetic location: 12q24.33.
Variant type: single nucleotide variant.
Coding change: c.1473+7A>G on transcript NM_006231.4 (MANE Select); 7 bases into the intron after coding-DNA position 1473, A replaced by G.
Molecular consequence: intron variant.
Genome position (GRCh38, 1-based): chr12:132,673,157, T>C on the plus strand (A>G on the coding strand, the complement: POLE is on the minus strand). VCF-style: chr12-132673157-T-C. GRCh37 (hg19) VCF-style: chr12-133249743-T-C.
Identifiers: ClinVar variation 507522 (VCV000507522.12), dbSNP rs1555228439, ClinGen allele CA658797997.

ClinVar aggregate classification (germline): Likely benign. Review status: criteria provided, multiple submitters, no conflicts (2 of 4 stars). 3 submissions from 3 submitters: Likely benign (3). Last evaluated 2025-02-11.

Conditions:
Colorectal cancer, susceptibility to, 12 (CRCS12). Also called: COLORECTAL CANCER, SUSCEPTIBILITY TO, ON CHROMOSOME 12q24. Identifiers: Orphanet 220460, MedGen C3554460, MONDO:0014038, OMIM 615083.

Submissions (3):

Myriad Genetics, Inc.
Classification: Likely benign for Colorectal cancer, susceptibility to, 12. Last evaluated: 2025-02-11. Review status: criteria provided, single submitter. Criteria: Myriad Autosomal Dominant, Autosomal Recessive and X-Linked Classification Criteria (2023). Collection method: clinical testing. Allele origin: unknown.
Comment: This variant is considered likely benign. This variant is intronic and is not expected to impact mRNA splicing.

Labcorp Genetics (formerly Invitae), Labcorp
Classification: Likely benign. Last evaluated: 2022-12-10. Review status: criteria provided, single submitter. Criteria: Invitae Variant Classification Sherloc (09022015). Collection method: clinical testing. Allele origin: germline.

GeneDx
Classification: Likely benign. Last evaluated: 2017-02-17. Review status: criteria provided, single submitter. Criteria: GeneDx Variant Classification (06012015). Collection method: clinical testing. Allele origin: germline. Affected: yes.
Comment: This variant is considered likely benign or benign based on one or more of the following criteria: it is a conservative change, it occurs at a poorly conserved position in the protein, it is predicted to be benign by multiple in silico algorithms, and/or has population frequency not consistent with disease.